The following is an entry in ClinVar:

ClinVar aggregate classification (germline): Benign/Likely benign. Review status: criteria provided, multiple submitters, no conflicts (2 of 4 stars). 2 submissions from 2 submitters: Benign (1); Likely benign (1). Last evaluated 2026-07-01.

Conditions:
Sessile serrated polyposis cancer syndrome (SSPCS). Identifiers: Orphanet 157798, MedGen C4310714, MONDO:0014919, OMIM 617108.

Submissions (2):

Myriad Genetics, Inc.
Classification: Benign for Sessile serrated polyposis cancer syndrome. Last evaluated: 2026-07-01. Review status: criteria provided, single submitter. Criteria: Myriad Autosomal Dominant, Autosomal Recessive and X-Linked Classification Criteria (2023). Collection method: clinical testing. Allele origin: unknown.
Comment: This variant is considered benign. This variant is a silent/synonymous amino acid change and it is not expected to impact splicing.

Ambry Genetics
Classification: Likely benign. Last evaluated: 2025-10-25. Review status: criteria provided, single submitter. Criteria: Ambry Variant Classification Scheme 2023. Collection method: clinical testing. Allele origin: germline.

NM_017763.6(RNF43):c.1269C>T (p.Ser423=)

Gene: RNF43 (ring finger protein 43; minus strand). Cytogenetic location: 17q22.
Variant type: single nucleotide variant.
Coding change: c.1269C>T on transcript NM_017763.6 (MANE Select); coding-DNA position 1269, C replaced by T.
Protein change: p.Ser423=; no amino-acid change (serine 423 retained).
Molecular consequence: synonymous variant.
Genome position (GRCh38, 1-based): chr17:58,358,507, G>A on the plus strand (C>T on the coding strand, the complement: RNF43 is on the minus strand). VCF-style: chr17-58358507-G-A. GRCh37 (hg19) VCF-style: chr17-56435868-G-A.
Other names: c.1269C>T, p.Ser423= (NM_001305544.3, NM_001438820.1, NM_001438821.1 and 1 more transcripts); c.888C>T, p.Ser296= (NM_001305545.2, NM_001437987.1).
Identifiers: ClinVar variation 4578978 (VCV004578978.2).
Genomic context (GRCh38, chr17:58,358,507, plus strand): 5'-GCTGTCAGGGGGCCTGGCCCGGCGTAGGGGCACTGGGCAAGCAGCAGGGTGCTGTGAGGT[G>A]GATTGGAGGTGGCTCAGTCCCCAGCCTTGTGCATAGGGGTGCTGGGCTCCTGCCAGGCGC-3'
Protein context (NP_060233.3, residues 413-433): AQGWGLSHLQ[Ser423=]TSQHPAACPV